The following is an entry in ClinVar:

ClinVar aggregate classification (germline): Likely benign. Review status: criteria provided, multiple submitters, no conflicts (2 of 4 stars). 3 submissions from 3 submitters: Likely benign (3). Last evaluated 2026-01-12.

Conditions:
Brown-Vialetto-van Laere syndrome 1. Also called: BROWN-VIALETTO-VAN LAERE SYNDROME 1, MILD; BULBAR PALSY, PROGRESSIVE, WITH SENSORINEURAL DEAFNESS; PONTOBULBAR PALSY WITH DEAFNESS. Identifiers: Orphanet 572550, Orphanet 97229, MedGen C0796274, MONDO:0024537, OMIM 211530.

Allele frequency attached by ClinVar (database versions not stated): gnomAD exomes 0.00003; TOPMed 0.00004; gnomAD 0.00002; ExAC 0.00001.

Submissions (3):

Labcorp Genetics (formerly Invitae), Labcorp
Classification: Likely benign for Brown-Vialetto-van Laere syndrome 1. Last evaluated: 2026-01-12. Review status: criteria provided, single submitter. Criteria: Invitae Variant Classification Sherloc (09022015). Collection method: clinical testing. Allele origin: germline.

Mayo Clinic Laboratories, Mayo Clinic
Classification: Likely benign. Last evaluated: 2025-01-06. Review status: criteria provided, single submitter. Criteria: ACMG Guidelines, 2015. Collection method: clinical testing. Allele origin: germline. Observed: 2 variant alleles.
Comment: BP4, BP7

CeGaT Center for Human Genetics Tuebingen
Classification: Likely benign. Last evaluated: 2022-10-01. Review status: criteria provided, single submitter. Criteria: CeGaT Center For Human Genetics Tuebingen Variant Classification Criteria Version 2. Collection method: clinical testing. Allele origin: germline. Affected: yes. Observed: 1 variant allele.
Comment: SLC52A3: BP4, BP7

NM_033409.4(SLC52A3):c.615C>T (p.Pro205=)

Gene: SLC52A3 (solute carrier family 52 member 3; minus strand). Cytogenetic location: 20p13.
Variant type: single nucleotide variant.
Coding change: c.615C>T on transcript NM_033409.4 (MANE Select); coding-DNA position 615, C replaced by T.
Protein change: p.Pro205=; no amino-acid change (proline 205 retained).
Molecular consequence: synonymous variant.
Genome position (GRCh38, 1-based): chr20:763,956, G>A on the plus strand (C>T on the coding strand, the complement: SLC52A3 is on the minus strand). VCF-style: chr20-763956-G-A. GRCh37 (hg19) VCF-style: chr20-744600-G-A.
Other names: p.Pro205=; c.615C>T, p.Pro205= (NM_001370085.1, NM_001370086.1).
Identifiers: ClinVar variation 702341 (VCV000702341.35), dbSNP rs771572751, ClinGen allele CA9724715.
Genomic context (GRCh38, chr20:763,956, plus strand): 5'-GAGGAAGAAGACCAGGGGTGAGAAGTGGGCGGGAAGGTAGCGGCTCTCCAGGTGGGACAA[G>A]GGTGCTTCCATTCCGGGGAGGGCGGACACCAAAGCTCTGGGAACTCCCTGCAAAGGACAA-3'
Protein context (NP_212134.3, residues 195-215): LVSALPGMEA[Pro205=]LSHLESRYLP